The following is an entry in ClinVar:

NM_000091.5(COL4A3):c.351C>G (p.Tyr117Ter)

Genes: COL4A3 (collagen type IV alpha 3 chain; plus strand), MFF-DT (MFF divergent transcript; minus strand). Cytogenetic location: 2q36.3.
Variant type: single nucleotide variant.
Coding change: c.351C>G on transcript NM_000091.5 (MANE Select); coding-DNA position 351, C replaced by G.
Protein change: p.Tyr117Ter; replaces tyrosine 117 with a stop codon.
Molecular consequence: nonsense.
Genome position (GRCh38, 1-based): chr2:227,245,980, C>G. VCF-style: chr2-227245980-C-G. GRCh37 (hg19) VCF-style: chr2-228110696-C-G.
Other names: short protein forms Y117*.
Identifiers: ClinVar variation 5013298 (VCV005013298.1).

ClinVar aggregate classification (germline): Pathogenic (1 of 4 stars; one submission).

Conditions:
Alport syndrome. Also called: Hemorrhagic familial nephritis; Hemorrhagic hereditary nephritis; Congenital hereditary hematuria. Identifiers: Orphanet 63, MedGen C1567741, MONDO:0018965.

Submission:

Myriad Genetics, Inc.
Classification: Pathogenic for Alport syndrome. Last evaluated: 2024-07-09. Review status: criteria provided, single submitter. Criteria: Myriad Autosomal Dominant, Autosomal Recessive and X-Linked Classification Criteria (2023). Collection method: clinical testing. Allele origin: unknown.
Comment: NM_000091.4(COL4A3):c.351C>G(Y117*) is expected to be pathogenic in the context of Alport syndrome, COL4A3-related. This variant is predicted to lead to an abnormal or absent protein product due to the creation of a premature termination codon in COL4A3, a gene where loss-of-function variants are known to be pathogenic. Please note: this variant was assessed in the context of healthy population screening.